The following is an entry in ClinVar:

ClinVar aggregate classification (germline): Likely pathogenic (1 of 4 stars; one submission).

Conditions:
Fabry disease. Also called: ALPHA-GALACTOSIDASE A DEFICIENCY; ANDERSON-FABRY DISEASE; CERAMIDE TRIHEXOSIDASE DEFICIENCY; GLA DEFICIENCY; HEREDITARY DYSTOPIC LIPIDOSIS; Angiokeratoma corporis diffusum. Identifiers: Orphanet 324, MedGen C0002986, MONDO:0010526, OMIM 301500, HP:0001071. Disease mechanism: Fabry disease is due to inactivating mutations in the X-linked GLA gene resulting in deficiency of the enzyme Alpha Galactosidase-A., loss of function.

Submission:

Genomenon, Inc
Classification: Likely pathogenic for Fabry disease. Last evaluated: 2026-09-08. Review status: criteria provided, single submitter. Criteria: Genomenon Sequence Variant Interpretation Standards - Updated. Collection method: curation. Allele origin: germline. Affected: yes.
Comment: GLA p.Gly361Ala (c.1082G>C) is a missense variant that changes the amino acid at codon 361 from Glycine to Alanine. This variant has been observed in at least one proband with clinical features consistent with Fabry disease (PMID:20022777;29853467). Functional or patient cell studies have been reported (PMID:27657681). The presence of pathogenic/likely pathogenic missense variant(s) at the same amino acid position indicates that this residue is likely important for protein function. It is absent or not present at a significant frequency in gnomAD. In conclusion, we classify GLA p.Gly361Ala (c.1082G>C) as a likely pathogenic variant.

Literature cited by the submitters: PubMed 20022777; PubMed 29853467; PubMed 27657681.

NM_000169.3(GLA):c.1082G>C (p.Gly361Ala)

Genes: GLA (galactosidase alpha; minus strand), RPL36A-HNRNPH2 (RPL36A-HNRNPH2 readthrough; plus strand). Cytogenetic location: Xq22.1.
Variant type: single nucleotide variant.
Coding change: c.1082G>C on transcript NM_000169.3 (MANE Select); coding-DNA position 1082, G replaced by C.
Protein change: p.Gly361Ala; replaces glycine 361 with alanine.
Molecular consequence: missense variant. On other transcripts: non-coding transcript variant (3), intron variant (2).
Genome position (GRCh38, 1-based): chrX:101,398,017, C>G on the plus strand (G>C on the coding strand, the complement: GLA is on the minus strand). VCF-style: chrX-101398017-C-G. GRCh37 (hg19) VCF-style: chrX-100653005-C-G.
Other names: c.1205G>C, p.Gly402Ala (NM_001406747.1); c.300+2560C>G (NM_001199973.2); c.177+6195C>G (NM_001199974.2); short protein forms G361A, G402A.
Identifiers: ClinVar variation 4087636 (VCV004087636.2).
Genomic context (GRCh38, chrX:101,398,017, plus strand): 5'-GCAGGATTACAGGCCACTCCTTTACCCAGGGAAGCAACTGCGATGGTATAAGAGCGAGGT[C>G]CACCAATCTCCTGCCGGTTTATCATAGCTACAGCCCAGGCTAAGCCTGAGAGAGGTCGTT-3'
Protein context (NP_000160.1, residues 351-371): VAMINRQEIG[Gly361Ala]PRSYTIAVAS